The following is an entry in ClinVar:

NM_014402.5(UQCRQ):c.154+17C>T

Genes: UQCRQ (ubiquinol-cytochrome c reductase complex III subunit VII; plus strand), LOC126807509 (BRD4-independent group 4 enhancer GRCh37_chr5:132201613-132202812; plus strand). Cytogenetic location: 5q31.1.
Variant type: single nucleotide variant.
Coding change: c.154+17C>T on transcript NM_014402.5 (MANE Select); 17 bases into the intron after coding-DNA position 154, C replaced by T.
Molecular consequence: intron variant.
Genome position (GRCh38, 1-based): chr5:132,867,052, C>T. VCF-style: chr5-132867052-C-T. GRCh37 (hg19) VCF-style: chr5-132202744-C-T.
Identifiers: ClinVar variation 137892 (VCV000137892.9), dbSNP rs145649482, ClinGen allele CA291622.

ClinVar aggregate classification (germline): Benign. Review status: criteria provided, multiple submitters, no conflicts (2 of 4 stars). 2 submissions from 2 submitters: Benign (2). Last evaluated 2026-01-27.

Allele frequency attached by ClinVar (database versions not stated): 1000 Genomes Project 30x 0.00734; 1000 Genomes Project 0.00739; TOPMed 0.01382; ESP Exome Variant Server 0.01415; gnomAD exomes 0.01552 and 0.02033; gnomAD 0.01571 and 0.01606; ExAC 0.01686.
gnomAD v4.1: 31,903 of 1,613,260 alleles (2%); highest among the groups gnomAD compares: Non-Finnish European, 2.4%; 404 homozygotes.

Submissions (2):

Labcorp Genetics (formerly Invitae), Labcorp
Classification: Benign. Last evaluated: 2026-01-27. Review status: criteria provided, single submitter. Criteria: Invitae Variant Classification Sherloc (09022015). Collection method: clinical testing. Allele origin: germline.

GeneDx
Classification: Benign. Last evaluated: 2012-05-14. Review status: criteria provided, single submitter. Criteria: GeneDx Variant Classification (06012015). Collection method: clinical testing. Allele origin: germline. Affected: yes.
Comment: This variant is considered likely benign or benign based on one or more of the following criteria: it is a conservative change, it occurs at a poorly conserved position in the protein, it is predicted to be benign by multiple in silico algorithms, and/or has population frequency not consistent with disease.